The following is an entry in ClinVar:

ClinVar aggregate classification (germline): Uncertain significance (1 of 4 stars; one submission).

Submission:

Labcorp Genetics (formerly Invitae), Labcorp
Classification: Uncertain significance. Last evaluated: 2025-06-04. Review status: criteria provided, single submitter. Criteria: Invitae Variant Classification Sherloc (09022015). Collection method: clinical testing. Allele origin: germline.
Comment: This sequence change replaces methionine, which is neutral and non-polar, with valine, which is neutral and non-polar, at codon 255 of the GNAS protein (p.Met255Val). This variant is not present in population databases (gnomAD no frequency). This missense change has been observed in individual(s) with nephrogenic syndrome of inappropriate antidiuresis (PMID: 30962325). Invitae Evidence Modeling of protein sequence and biophysical properties (such as structural, functional, and spatial information, amino acid conservation, physicochemical variation, residue mobility, and thermodynamic stability) indicates that this missense variant is expected to disrupt GNAS protein function with a positive predictive value of 80%. Experimental studies have shown that this missense change affects GNAS function (PMID: 30962325). In summary, the available evidence is currently insufficient to determine the role of this variant in disease. Therefore, it has been classified as a Variant of Uncertain Significance.

Literature cited by the submitters: PubMed 30962325.

NM_000516.7(GNAS):c.763A>G (p.Met255Val)

Gene: GNAS (GNAS complex locus; plus strand). Cytogenetic location: 20q13.32.
Variant type: single nucleotide variant.
Coding change: c.763A>G on transcript NM_000516.7 (MANE Select); coding-DNA position 763, A replaced by G.
Protein change: p.Met255Val; replaces methionine 255 with valine.
Molecular consequence: missense variant. On other transcripts: 3 prime UTR variant (2).
Genome position (GRCh38, 1-based): chr20:58,909,728, A>G. VCF-style: chr20-58909728-A-G. GRCh37 (hg19) VCF-style: chr20-57484783-A-G.
Other names: c.766A>G, p.Met256Val (NM_001077488.5); c.718A>G, p.Met240Val (NM_001077489.4); c.*624A>G (NM_001077490.3); c.586A>G, p.Met196Val (NM_001309840.2, NM_001309861.2, NM_001438276.1 and 1 more transcripts); c.667A>G, p.Met223Val (NM_001410912.1); c.2647A>G, p.Met883Val (NM_001410913.1); c.541A>G, p.Met181Val (NM_001438273.1, NM_001438274.1, NM_001438275.1); c.*669A>G (NM_016592.5); and 2 more; short protein forms M241V, M223V, M240V, M181V, M898V, M196V, M255V, M256V.
Identifiers: ClinVar variation 4750183 (VCV004750183.1).